The following is an entry in ClinVar:

NM_020376.4(PNPLA2):c.919+5G>C

Gene: PNPLA2 (patatin like domain 2, triacylglycerol lipase; plus strand). Cytogenetic location: 11p15.5.
Variant type: single nucleotide variant.
Coding change: c.919+5G>C on transcript NM_020376.4 (MANE Select); 5 bases into the intron after coding-DNA position 919, G replaced by C.
Molecular consequence: intron variant.
Genome position (GRCh38, 1-based): chr11:823,860, G>C. VCF-style: chr11-823860-G-C. GRCh37 (hg19) VCF-style: chr11-823860-G-C.
Identifiers: ClinVar variation 1517842 (VCV001517842.4), dbSNP rs766196245, ClinGen allele CA5791225.

ClinVar aggregate classification (germline): Uncertain significance (1 of 4 stars; one submission).

Conditions:
Neutral lipid storage myopathy (NLSDM). Also called: NEUTRAL LIPID STORAGE DISEASE WITHOUT ICHTHYOSIS. Identifiers: Orphanet 98908, MedGen C1853136, MONDO:0012545, OMIM 610717.

Allele frequency attached by ClinVar (database versions not stated): gnomAD exomes 0.00002; TOPMed 0.00002; gnomAD 0.00003 and 0.00004; ExAC 0.00008.
gnomAD v4.1: 31 of 1,579,450 alleles (0.002%); highest among the groups gnomAD compares: Non-Finnish European, 0.0025%; no homozygotes.

Submission:

Labcorp Genetics (formerly Invitae), Labcorp
Classification: Uncertain significance for Neutral lipid storage myopathy. Last evaluated: 2021-09-08. Review status: criteria provided, single submitter. Criteria: Invitae Variant Classification Sherloc (09022015). Collection method: clinical testing. Allele origin: germline.
Comment: In summary, the available evidence is currently insufficient to determine the role of this variant in disease. Therefore, it has been classified as a Variant of Uncertain Significance. Variants that disrupt the consensus splice site are a relatively common cause of aberrant splicing (PMID: 17576681, 9536098). Algorithms developed to predict the effect of sequence changes on RNA splicing suggest that this variant may disrupt the consensus splice site. This variant has not been reported in the literature in individuals affected with PNPLA2-related conditions. This variant is present in population databases (rs766196245, ExAC 0.02%). This sequence change falls in intron 7 of the PNPLA2 gene. It does not directly change the encoded amino acid sequence of the PNPLA2 protein. It affects a nucleotide within the consensus splice site of the intron.

Literature cited by the submitters: PubMed 17576681; PubMed 9536098.